The following is an entry in ClinVar:

ClinVar aggregate classification (germline): Pathogenic/Likely pathogenic. Review status: criteria provided, multiple submitters, no conflicts (2 of 4 stars). 2 submissions from 2 submitters: Pathogenic (1); Likely pathogenic (1). Last evaluated 2025-09-02.

Conditions:
Rothmund-Thomson syndrome type 2 (RTS2). Identifiers: Orphanet 221016, MedGen C5203410, MONDO:0016369, OMIM 268400.
Baller-Gerold syndrome (BGS). Also called: CRANIOSYNOSTOSIS WITH RADIAL DEFECTS. Identifiers: Orphanet 1225, MedGen C0265308, MONDO:0009039, OMIM 218600.

Submissions (2):

Labcorp Genetics (formerly Invitae), Labcorp
Classification: Pathogenic for Baller-Gerold syndrome. Last evaluated: 2025-09-02. Review status: criteria provided, single submitter. Criteria: Invitae Variant Classification Sherloc (09022015). Collection method: clinical testing. Allele origin: germline.
Comment: This sequence change replaces serine, which is neutral and polar, with isoleucine, which is neutral and non-polar, at codon 1079 of the RECQL4 protein (p.Ser1079Ile). This variant also falls at the last nucleotide of exon 18, which is part of the consensus splice site for this exon. This variant is not present in population databases (gnomAD no frequency). This missense change has been observed in individuals with clinical features of RECQL4-related conditions (PMID: 29642415, 35489969; internal data). ClinVar contains an entry for this variant (Variation ID: 1065954). Experimental studies and prediction algorithms are not available or were not evaluated, and the functional significance of this variant is currently unknown. Variants that disrupt the consensus splice site are a relatively common cause of aberrant splicing (PMID: 17576681, 9536098). Studies have shown that this missense change is associated with altered splicing resulting in multiple RNA products (PMID: 29642415). For these reasons, this variant has been classified as Pathogenic.

Clinical Genetics Service, Universitary Hospital 12 de Octubre
Classification: Likely pathogenic for Rothmund-Thomson syndrome type 2. Review status: criteria provided, single submitter. Criteria: ACMG Guidelines, 2015. Collection method: clinical testing. Allele origin: germline. Affected: yes.

Literature cited by the submitters: PubMed 29642415 (cited by Labcorp Genetics (formerly Invitae), Labcorp); PubMed 35489969 (cited by Labcorp Genetics (formerly Invitae), Labcorp); PubMed 17576681 (cited by Labcorp Genetics (formerly Invitae), Labcorp); PubMed 9536098 (cited by Labcorp Genetics (formerly Invitae), Labcorp).

NM_004260.4(RECQL4):c.3236G>T (p.Ser1079Ile)

Gene: RECQL4 (RecQ like helicase 4; minus strand). Cytogenetic location: 8q24.3.
Variant type: single nucleotide variant.
Coding change: c.3236G>T on transcript NM_004260.4 (MANE Select); coding-DNA position 3236, G replaced by T.
Protein change: p.Ser1079Ile; replaces serine 1079 with isoleucine.
Molecular consequence: missense variant.
Genome position (GRCh38, 1-based): chr8:144,512,144, C>A on the plus strand (G>T on the coding strand, the complement: RECQL4 is on the minus strand). VCF-style: chr8-144512144-C-A. GRCh37 (hg19) VCF-style: chr8-145737527-C-A.
Other names: short protein forms S1079I.
Identifiers: ClinVar variation 1065954 (VCV001065954.6), dbSNP rs2130657545, ClinGen allele CA372669596.
Genomic context (GRCh38, chr8:144,512,144, plus strand): 5'-GTCAGAGCTGATCACTGCGGGAGGGTGGATGGTCCCAGGCCCCGCCCGCCTCCTCCCAAC[C>A]TGTGAAAGGCCTGGAAGGTTCTGCGCAGACGGGCCAGGGCCTGGCGCTCCCGGGCCTGCA-3'
Protein context (NP_004251.4, residues 1069-1089): RLRRTFQAFH[Ser1079Ile]VAFPSCGPCL